The following is an entry in ClinVar:

NM_015459.5(ATL3):c.261+9G>T

Gene: ATL3 (atlastin GTPase 3; minus strand). Cytogenetic location: 11q13.1.
Variant type: single nucleotide variant.
Coding change: c.261+9G>T on transcript NM_015459.5 (MANE Select); 9 bases into the intron after coding-DNA position 261, G replaced by T.
Molecular consequence: intron variant.
Genome position (GRCh38, 1-based): chr11:63,659,029, C>A on the plus strand (G>T on the coding strand, the complement: ATL3 is on the minus strand). VCF-style: chr11-63659029-C-A. GRCh37 (hg19) VCF-style: chr11-63426501-C-A.
Other names: c.261+9G>T (NM_015459.4); c.207+9G>T (NM_001290048.2).
Identifiers: ClinVar variation 1141209 (VCV001141209.9), dbSNP rs377110368, ClinGen allele CA6063848.
Genomic context (GRCh38, chr11:63,659,029, plus strand): 5'-TGAGCTTATTTCGCTTTTTTGGACATTAAAGTCTCACTTTTTACTTGAAATAAAATAATT[C>A]TATCTTACCTGAGAATATAAGTATCGTAGCATAAAATCCAGAATGAAGGACTTGCCCTTT-3'

ClinVar aggregate classification (germline): Likely benign. Review status: criteria provided, multiple submitters, no conflicts (2 of 4 stars). 3 submissions from 3 submitters: Likely benign (3). Last evaluated 2025-09-23.

Conditions:
ATL3-related disorder. Also called: ATL3-related condition.
Neuropathy, hereditary sensory, type 1F. Also called: Hereditary sensory neuropathy type IF; HSN IF. Identifiers: Orphanet 36386, MedGen C3810194, MONDO:0014286, OMIM 615632.

Allele frequency attached by ClinVar (database versions not stated): gnomAD exomes 0.00009 and 0.00014; ExAC 0.00014; ESP Exome Variant Server 0.00017.
gnomAD v4.1: 180 of 1,612,966 alleles (0.011%); highest among the groups gnomAD compares: Middle Eastern, 0.049%; no homozygotes.

Submissions (3):

PreventionGenetics, part of Exact Sciences
Classification: Likely benign for ATL3-related condition. Last evaluated: 2025-09-23. Review status: criteria provided, single submitter. Criteria: ACMG Guidelines, 2015. Collection method: clinical testing. Allele origin: germline.
Comment: This variant is classified as likely benign based on ACMG/AMP sequence variant interpretation guidelines (Richards et al. 2015 PMID: 25741868, with internal and published modifications).

Labcorp Genetics (formerly Invitae), Labcorp
Classification: Likely benign for Neuropathy, hereditary sensory, type 1F. Last evaluated: 2025-09-15. Review status: criteria provided, single submitter. Criteria: Invitae Variant Classification Sherloc (09022015). Collection method: clinical testing. Allele origin: germline.

Blueprint Genetics
Classification: Likely benign. Last evaluated: 2024-09-06. Review status: criteria provided, single submitter. Criteria: ACMG Guidelines, 2015. Collection method: clinical testing. Allele origin: germline.